The following is an entry in ClinVar:

NM_006231.4(POLE):c.4670C>T (p.Ala1557Val)

Gene: POLE (DNA polymerase epsilon, catalytic subunit; minus strand). Cytogenetic location: 12q24.33.
Variant type: single nucleotide variant.
Coding change: c.4670C>T on transcript NM_006231.4 (MANE Select); coding-DNA position 4670, C replaced by T.
Protein change: p.Ala1557Val; replaces alanine 1557 with valine.
Molecular consequence: missense variant.
Genome position (GRCh38, 1-based): chr12:132,642,878, G>A on the plus strand (C>T on the coding strand, the complement: POLE is on the minus strand). VCF-style: chr12-132642878-G-A. GRCh37 (hg19) VCF-style: chr12-133219464-G-A.
Other names: short protein forms A1557V.
Identifiers: ClinVar variation 1742321 (VCV001742321.2), dbSNP rs2138540107, ClinGen allele CA387378893.

ClinVar aggregate classification (germline): Uncertain significance (1 of 4 stars; one submission).

Conditions:
Hereditary cancer-predisposing syndrome. Also called: Hereditary Cancer Syndrome; Hereditary neoplastic syndrome; Neoplastic Syndromes, Hereditary; Tumor predisposition. Identifiers: Orphanet 140162, MedGen C0027672, MeSH D009386, MONDO:0015356.

Submission:

Ambry Genetics
Classification: Uncertain significance for Hereditary cancer-predisposing syndrome. Last evaluated: 2022-06-22. Review status: criteria provided, single submitter. Criteria: Ambry Variant Classification Scheme 2023. Collection method: clinical testing. Allele origin: germline.
Comment: The p.A1557V variant (also known as c.4670C>T), located in coding exon 36 of the POLE gene, results from a C to T substitution at nucleotide position 4670. The alanine at codon 1557 is replaced by valine, an amino acid with similar properties. This amino acid position is conserved. In addition, this alteration is predicted to be tolerated by in silico analysis. Since supporting evidence is limited at this time, the clinical significance of this alteration remains unclear.